The following is an entry in ClinVar:

NM_001098426.2(SMARCD2):c.1586G>C (p.Arg529Pro)

Gene: SMARCD2 (SWI/SNF related BAF chromatin remodeling complex subunit D2; minus strand). Cytogenetic location: 17q23.3.
Variant type: single nucleotide variant.
Coding change: c.1586G>C on transcript NM_001098426.2 (MANE Select); coding-DNA position 1586, G replaced by C.
Protein change: p.Arg529Pro; replaces arginine 529 with proline.
Molecular consequence: missense variant.
Genome position (GRCh38, 1-based): chr17:63,832,948, C>G on the plus strand (G>C on the coding strand, the complement: SMARCD2 is on the minus strand). VCF-style: chr17-63832948-C-G. GRCh37 (hg19) VCF-style: chr17-61910308-C-G.
Other names: c.1361G>C, p.Arg454Pro (NM_001330439.1); c.1442G>C, p.Arg481Pro (NM_001330440.2); short protein forms R454P, R481P, R529P.
Identifiers: ClinVar variation 1717447 (VCV001717447.3), dbSNP rs191015799, ClinGen allele CA400597365.

ClinVar aggregate classification (germline): Uncertain significance (1 of 4 stars; one submission).

Submission:

Labcorp Genetics (formerly Invitae), Labcorp
Classification: Uncertain significance. Last evaluated: 2022-08-21. Review status: criteria provided, single submitter. Criteria: Invitae Variant Classification Sherloc (09022015). Collection method: clinical testing. Allele origin: germline.
Comment: This sequence change replaces arginine, which is basic and polar, with proline, which is neutral and non-polar, at codon 529 of the SMARCD2 protein (p.Arg529Pro). This variant is not present in population databases (gnomAD no frequency). This variant has not been reported in the literature in individuals affected with SMARCD2-related conditions. Algorithms developed to predict the effect of missense changes on protein structure and function are either unavailable or do not agree on the potential impact of this missense change (SIFT: "Tolerated"; PolyPhen-2: "Possibly Damaging"; Align-GVGD: "Class C0"). In summary, the available evidence is currently insufficient to determine the role of this variant in disease. Therefore, it has been classified as a Variant of Uncertain Significance.